The following is an entry in ClinVar:

NM_000747.3(CHRNB1):c.1147T>A (p.Trp383Arg)

Gene: CHRNB1 (cholinergic receptor nicotinic beta 1 subunit; plus strand). Cytogenetic location: 17p13.1.
Variant type: single nucleotide variant.
Coding change: c.1147T>A on transcript NM_000747.3 (MANE Select); coding-DNA position 1147, T replaced by A.
Protein change: p.Trp383Arg; replaces tryptophan 383 with arginine.
Molecular consequence: missense variant.
Genome position (GRCh38, 1-based): chr17:7,455,386, T>A. VCF-style: chr17-7455386-T-A. GRCh37 (hg19) VCF-style: chr17-7358705-T-A.
Other names: short protein forms W383R.
Identifiers: ClinVar variation 2694879 (VCV002694879.3), dbSNP rs1489572511, ClinGen allele CA397801074.

ClinVar aggregate classification (germline): Uncertain significance (1 of 4 stars; one submission).

Conditions:
Congenital myasthenic syndrome 2A. Also called: Myasthenic syndrome, congenital, 2a, slow-channel. Identifiers: Orphanet 590, MedGen C4225374, MONDO:0014581, OMIM 616313.

Allele frequency attached by ClinVar (database versions not stated): TOPMed 0.00001.

Submission:

Labcorp Genetics (formerly Invitae), Labcorp
Classification: Uncertain significance for Congenital myasthenic syndrome 2A. Last evaluated: 2023-11-18. Review status: criteria provided, single submitter. Criteria: Invitae Variant Classification Sherloc (09022015). Collection method: clinical testing. Allele origin: germline.
Comment: This sequence change replaces tryptophan, which is neutral and slightly polar, with arginine, which is basic and polar, at codon 383 of the CHRNB1 protein (p.Trp383Arg). This variant is not present in population databases (gnomAD no frequency). This variant has not been reported in the literature in individuals affected with CHRNB1-related conditions. Advanced modeling of protein sequence and biophysical properties (such as structural, functional, and spatial information, amino acid conservation, physicochemical variation, residue mobility, and thermodynamic stability) performed at Invitae indicates that this missense variant is not expected to disrupt CHRNB1 protein function with a negative predictive value of 80%. In summary, the available evidence is currently insufficient to determine the role of this variant in disease. Therefore, it has been classified as a Variant of Uncertain Significance.